The following is an entry in ClinVar:

ClinVar aggregate classification (germline): Conflicting classifications of pathogenicity. Review status: criteria provided, conflicting classifications (1 of 4 stars). 4 submissions from 4 submitters: Uncertain significance (3); Likely benign (1). Last evaluated 2025-10-01.

Conditions:
DYNC1H1-related disorder. Also called: DYNC1H1-related condition; DYNC1H1-related disorders. Identifiers: MedGen CN381529.
Charcot-Marie-Tooth disease axonal type 2O. Also called: Charcot-Marie-Tooth disease, axonal, type 20; CHARCOT-MARIE-TOOTH NEUROPATHY, AXONAL, TYPE 2O; CHARCOT-MARIE-TOOTH DISEASE, AXONAL, AUTOSOMAL DOMINANT, TYPE 2O; Charcot-Marie-Tooth Neuropathy Type 2O. Identifiers: Orphanet 284232, MedGen C3280220, MONDO:0013644, OMIM 614228.

Allele frequency attached by ClinVar (database versions not stated): gnomAD exomes below 0.00001 and 0.00002; ExAC 0.00001; gnomAD 0.00002; TOPMed 0.00004; ESP Exome Variant Server 0.00008.
gnomAD v4.1: 28 of 1,614,020 alleles (0.0017%); highest among the groups gnomAD compares: South Asian, 0.0022%; no homozygotes.

Submissions (4):

Labcorp Genetics (formerly Invitae), Labcorp
Classification: Likely benign for Charcot-Marie-Tooth disease axonal type 2O. Last evaluated: 2025-10-01. Review status: criteria provided, single submitter. Criteria: Invitae Variant Classification Sherloc (09022015). Collection method: clinical testing. Allele origin: germline.

PreventionGenetics, part of Exact Sciences
Classification: Uncertain significance for DYNC1H1-related condition. Last evaluated: 2025-09-16. Review status: criteria provided, single submitter. Criteria: ACMG Guidelines, 2015. Collection method: clinical testing. Allele origin: germline.
Comment: The DYNC1H1 c.8531G>A variant is predicted to result in the amino acid substitution p.Arg2844His. To our knowledge, this variant has not been reported in the literature. This variant is reported in 0.0015% of alleles in individuals of European (non-Finnish) descent in gnomAD. At this time, the clinical significance of this variant is uncertain due to the absence of conclusive functional and genetic evidence.

GeneDx
Classification: Uncertain significance. Last evaluated: 2024-02-06. Review status: criteria provided, single submitter. Criteria: GeneDx Variant Classification Process June 2021. Collection method: clinical testing. Allele origin: germline. Affected: yes.
Comment: In silico analysis supports that this missense variant has a deleterious effect on protein structure/function; Has not been previously published as pathogenic or benign to our knowledge; This variant is associated with the following publications: (PMID: 25512093, 25609763, 26100331)

CeGaT Center for Human Genetics Tuebingen
Classification: Uncertain significance. Last evaluated: 2021-02-01. Review status: criteria provided, single submitter. Criteria: CeGaT Center For Human Genetics Tuebingen Variant Classification Criteria Version 2. Collection method: clinical testing. Allele origin: germline. Affected: yes. Observed: 1 variant allele.

NM_001376.5(DYNC1H1):c.8531G>A (p.Arg2844His)

Gene: DYNC1H1 (dynein cytoplasmic 1 heavy chain 1; plus strand). Cytogenetic location: 14q32.31.
Variant type: single nucleotide variant.
Coding change: c.8531G>A on transcript NM_001376.5 (MANE Select); coding-DNA position 8531, G replaced by A.
Protein change: p.Arg2844His; replaces arginine 2844 with histidine.
Molecular consequence: missense variant.
Genome position (GRCh38, 1-based): chr14:102,022,774, G>A. VCF-style: chr14-102022774-G-A. GRCh37 (hg19) VCF-style: chr14-102489111-G-A.
Other names: short protein forms R2844H.
Identifiers: ClinVar variation 935293 (VCV000935293.45), dbSNP rs150520534, ClinGen allele CA7353051.
Genomic context (GRCh38, chr14:102,022,774, plus strand): 5'-TCTAGTTACCTAAATGCACATGCTGCTCTCCCCACAGACTCGTAGAGGATGAGGAGAGGC[G>A]TTGGACTGATGAGAACATCGACACGGTTGCTCTGAAGCACTTCCCTAACATCGACAGAGA-3'
Protein context (NP_001367.2, residues 2834-2854): QDRLVEDEER[Arg2844His]WTDENIDTVA